The following is an entry in ClinVar:

ClinVar aggregate classification (germline): Pathogenic/Likely pathogenic. Review status: criteria provided, multiple submitters, no conflicts (2 of 4 stars). 2 submissions from 2 submitters: Pathogenic (1); Likely pathogenic (1). Last evaluated 2025-07-13.

Allele frequency attached by ClinVar (database versions not stated): gnomAD exomes below 0.00001; ExAC 0.00001.

Submissions (2):

GeneDx
Classification: Likely pathogenic. Last evaluated: 2025-07-13. Review status: criteria provided, single submitter. Criteria: GeneDx Variant Classification Process June 2021. Collection method: clinical testing. Allele origin: germline. Affected: yes.
Comment: Frameshift variant predicted to result in protein truncation or nonsense mediated decay in a gene for which loss of function is a known mechanism of disease; Not observed at significant frequency in large population cohorts (gnomAD); Reported in trans with a different variant in WWOX in unrelated individuals with infantile epileptic spasms syndrome (PMID 37583270) and developmental and epileptic encephalopathy (PMID: 29100083); This variant is associated with the following publications: (PMID: 37583270, 29100083)

Revvity Omics, Revvity
Classification: Pathogenic. Last evaluated: 2023-11-17. Review status: criteria provided, single submitter. Criteria: ACMG Guidelines, 2015. Collection method: clinical testing. Allele origin: germline.

NM_016373.4(WWOX):c.553_566del (p.Ala185fs)

Gene: WWOX (WW domain containing oxidoreductase; plus strand). Cytogenetic location: 16q23.1.
Variant type: Deletion.
Coding change: c.553_566del on transcript NM_016373.4 (MANE Select); coding-DNA positions 553 to 566, 14 bases deleted (GCTCTGCTCCGTAG).
Protein change: p.Ala185fs; shifts the reading frame from alanine 185.
Molecular consequence: frameshift variant.
Genome position (GRCh38, 1-based): chr16:78,386,896-78,386,909, GCTCTGCTCCGTAG deleted. VCF-style (leftmost placement, unchanged base first): chr16-78386895-CGCTCTGCTCCGTAG-C. GRCh37 (hg19) VCF-style: chr16-78420792-CGCTCTGCTCCGTAG-C.
Other names: c.214_227del, p.Ala72fs (NM_001291997.2); short protein forms A185fs, A72fs.
Identifiers: ClinVar variation 2690500 (VCV002690500.3), dbSNP rs759794876, ClinGen allele CA8183329.